The following is an entry in ClinVar:

NM_016373.4(WWOX):c.1239C>G (p.Ser413=)

Genes: MAF (MAF bZIP transcription factor; minus strand), WWOX (WW domain containing oxidoreductase; plus strand). Cytogenetic location: 16q23.2.
Variant type: single nucleotide variant.
Coding change: c.1239C>G on transcript NM_016373.4 (MANE Select); coding-DNA position 1239, C replaced by G.
Protein change: p.Ser413=; no amino-acid change (serine 413 retained).
Molecular consequence: synonymous variant.
Genome position (GRCh38, 1-based): chr16:79,211,790, C>G. VCF-style: chr16-79211790-C-G. GRCh37 (hg19) VCF-style: chr16-79245687-C-G.
Other names: c.900C>G, p.Ser300= (NM_001291997.2).
Identifiers: ClinVar variation 540243 (VCV000540243.13), dbSNP rs199576434, ClinGen allele CA8183810.

ClinVar aggregate classification (germline): Likely benign. Review status: criteria provided, single submitter (1 of 4 stars). 2 submissions from 2 submitters: Likely benign (1). 1 of the submissions does not count toward it. Last evaluated 2024-10-24.

Conditions:
Developmental and epileptic encephalopathy, 1 (DEE1). Also called: OHTAHARA SYNDROME, X-LINKED; X-linked infantile spasms; West's syndrome; Tonic spasms with clustering, arrest of psychomotor development and hypsarrhythmia on EEG; X-Linked Infantile Spasm Syndrome; Epileptic encephalopathy, early infantile, 1. Identifiers: MedGen C3463992, MONDO:0010632, OMIM 308350. Disease mechanism: loss of function.
Autosomal recessive spinocerebellar ataxia 12. Also called: SPINOCEREBELLAR ATAXIA WITH MENTAL RETARDATION AND EPILEPSY. Identifiers: Orphanet 284282, MedGen C3280452, MONDO:0013687, OMIM 614322.
WWOX-related disorder. Also called: WWOX-related condition.

Allele frequency attached by ClinVar (database versions not stated): TOPMed 0.00001.
gnomAD v4.1: 80 of 1,613,980 alleles (0.005%); highest among the groups gnomAD compares: Non-Finnish European, 0.006%; no homozygotes.

Submissions (2):

Labcorp Genetics (formerly Invitae), Labcorp
Classification: Likely benign for Developmental and epileptic encephalopathy, 1; Autosomal recessive spinocerebellar ataxia 12. Last evaluated: 2024-10-24. Review status: criteria provided, single submitter. Criteria: Invitae Variant Classification Sherloc (09022015). Collection method: clinical testing. Allele origin: germline.

PreventionGenetics, part of Exact Sciences
Classification: Likely benign for WWOX-related condition. Last evaluated: 2020-02-10. Review status: no assertion criteria provided. Collection method: clinical testing. Allele origin: germline. Not counted in ClinVar's aggregate classification.
Comment: This variant is classified as likely benign based on ACMG/AMP sequence variant interpretation guidelines (Richards et al. 2015 PMID: 25741868, with internal and published modifications).